The following is an entry in ClinVar:

ClinVar aggregate classification (germline): Pathogenic. Review status: criteria provided, multiple submitters, no conflicts (2 of 4 stars). 2 submissions from 2 submitters: Pathogenic (2). Last evaluated 2024-11-27.

Conditions:
Mucolipidosis type IV (ML4). Also called: ML IV. Identifiers: Orphanet 578, MedGen C0238286, MONDO:0009653, OMIM 252650.

Submissions (2):

Myriad Genetics, Inc.
Classification: Pathogenic for Mucolipidosis type IV. Last evaluated: 2024-11-27. Review status: criteria provided, single submitter. Criteria: Myriad Autosomal Dominant, Autosomal Recessive and X-Linked Classification Criteria (2023). Collection method: clinical testing. Allele origin: unknown.
Comment: NM_020533.2(MCOLN1):c.948dupC(A317Rfs*146) is expected to be pathogenic in the context of mucolipidosis IV. This variant is predicted to lead to an abnormal or absent protein product due to the creation of a premature termination codon in MCOLN1, a gene where loss-of-function variants are known to be pathogenic. Please note: this variant was assessed in the context of healthy population screening.

Labcorp Genetics (formerly Invitae), Labcorp
Classification: Pathogenic for Mucolipidosis type IV. Last evaluated: 2020-12-07. Review status: criteria provided, single submitter. Criteria: Invitae Variant Classification Sherloc (09022015). Collection method: clinical testing. Allele origin: germline.
Comment: This sequence change creates a premature translational stop signal (p.Ala317Argfs*146) in the MCOLN1 gene. It is expected to result in an absent or disrupted protein product. Loss-of-function variants in MCOLN1 are known to be pathogenic (PMID: 11030752, 11317355). This variant is not present in population databases (ExAC no frequency). This variant has not been reported in the literature in individuals with MCOLN1-related conditions. For these reasons, this variant has been classified as Pathogenic.

Literature cited by the submitters: PubMed 11030752 (cited by Labcorp Genetics (formerly Invitae), Labcorp); PubMed 11317355 (cited by Labcorp Genetics (formerly Invitae), Labcorp).

NM_020533.3(MCOLN1):c.948dup (p.Ala317fs)

Gene: MCOLN1 (mucolipin TRP cation channel 1; plus strand). Cytogenetic location: 19p13.2.
Variant type: Duplication.
Coding change: c.948dup on transcript NM_020533.3 (MANE Select); coding-DNA position 948, one base duplicated (C; older notation c.948dupC).
Protein change: p.Ala317fs; shifts the reading frame from alanine 317.
Molecular consequence: frameshift variant.
Genome position (GRCh38, 1-based): chr19:7,528,667, C duplicated. VCF-style (leftmost placement, unchanged base first): chr19-7528666-G-GC. GRCh37 (hg19) VCF-style: chr19-7593552-G-GC.
Other names: short protein forms A317fs.
Identifiers: ClinVar variation 1386426 (VCV001386426.7), dbSNP rs2146024554, ClinGen allele CA2573155916.